The following is an entry in ClinVar:

ClinVar aggregate classification (germline): Uncertain significance. Review status: criteria provided, multiple submitters, no conflicts (2 of 4 stars). 6 submissions from 5 submitters: Uncertain significance (6). Last evaluated 2025-08-31.

Conditions:
Usher syndrome type 2A. Also called: USHER SYNDROME, TYPE IIA; RETINAL DISEASE IN USHER SYNDROME TYPE IIA, MODIFIER OF. Identifiers: Orphanet 231178, Orphanet 886, MedGen C1848634, MONDO:0010169, OMIM 276901.
Retinitis pigmentosa 39 (RP39). Identifiers: Orphanet 791, MedGen C3151138, MONDO:0013436, OMIM 613809.
Inborn genetic diseases. Identifiers: MedGen C0950123, MeSH D030342.

Allele frequency attached by ClinVar (database versions not stated): gnomAD exomes below 0.00001.
gnomAD v4.1: 3 of 1,613,932 alleles (0.00019%); highest among the groups gnomAD compares: Non-Finnish European, 0.00025%; no homozygotes.

Submissions (6):

Ambry Genetics
Classification: Uncertain significance for Inborn genetic diseases. Last evaluated: 2025-08-31. Review status: criteria provided, single submitter. Criteria: Ambry Variant Classification Scheme 2023. Collection method: clinical testing. Allele origin: germline.

Genome-Nilou Lab
Classification: Uncertain significance for Retinitis pigmentosa 39. Last evaluated: 2023-11-04. Review status: criteria provided, single submitter. Criteria: ACMG Guidelines, 2015. Collection method: clinical testing. Allele origin: germline. Affected: no.

Genome-Nilou Lab
Classification: Uncertain significance for Usher syndrome type 2A. Last evaluated: 2023-11-04. Review status: criteria provided, single submitter. Criteria: ACMG Guidelines, 2015. Collection method: clinical testing. Allele origin: germline. Affected: no.

Labcorp Genetics (formerly Invitae), Labcorp
Classification: Uncertain significance. Last evaluated: 2022-02-03. Review status: criteria provided, single submitter. Criteria: Invitae Variant Classification Sherloc (09022015). Collection method: clinical testing. Allele origin: germline.
Comment: This sequence change replaces asparagine, which is neutral and polar, with serine, which is neutral and polar, at codon 1903 of the USH2A protein (p.Asn1903Ser). This variant is present in population databases (no rsID available, gnomAD 0.0009%). This variant has not been reported in the literature in individuals affected with USH2A-related conditions. Algorithms developed to predict the effect of missense changes on protein structure and function are either unavailable or do not agree on the potential impact of this missense change (SIFT: "Deleterious"; PolyPhen-2: "Benign"; Align-GVGD: "Class C15"). Algorithms developed to predict the effect of sequence changes on RNA splicing suggest that this variant may create or strengthen a splice site. In summary, the available evidence is currently insufficient to determine the role of this variant in disease. Therefore, it has been classified as a Variant of Uncertain Significance.

Fulgent Genetics
Classification: Uncertain significance for Usher syndrome type 2A; Retinitis pigmentosa 39. Last evaluated: 2022-01-21. Review status: criteria provided, single submitter. Criteria: ACMG Guidelines, 2015. Collection method: clinical testing. Allele origin: unknown.

Blueprint Genetics
Classification: Uncertain significance. Last evaluated: 2020-02-06. Review status: criteria provided, single submitter. Criteria: ACMG Guidelines, 2015. Collection method: clinical testing. Allele origin: germline.

NM_206933.4(USH2A):c.5708A>G (p.Asn1903Ser)

Genes: USH2A (usherin; minus strand), USH2A-AS2 (USH2A antisense RNA 2; plus strand). Cytogenetic location: 1q41.
Variant type: single nucleotide variant.
Coding change: c.5708A>G on transcript NM_206933.4 (MANE Select); coding-DNA position 5708, A replaced by G.
Protein change: p.Asn1903Ser; replaces asparagine 1903 with serine.
Molecular consequence: missense variant.
Genome position (GRCh38, 1-based): chr1:216,073,165, T>C on the plus strand (A>G on the coding strand, the complement: USH2A is on the minus strand). VCF-style: chr1-216073165-T-C. GRCh37 (hg19) VCF-style: chr1-216246507-T-C.
Other names: c.5708A>G (NM_206933.2); short protein forms N1903S.
Identifiers: ClinVar variation 1409361 (VCV001409361.8), dbSNP rs1162070622, ClinGen allele CA344854247.